The following is an entry in ClinVar:

NM_005589.4(ALDH6A1):c.*403T>G

Genes: ALDH6A1 (aldehyde dehydrogenase 6 family member A1; minus strand), BBOF1 (basal body orientation factor 1; plus strand). Cytogenetic location: 14q24.3.
Variant type: single nucleotide variant.
Coding change: c.*403T>G on transcript NM_005589.4 (MANE Select); 403 bases downstream of the stop codon, T replaced by G.
Molecular consequence: 3 prime UTR variant. On other transcripts: intron variant (1).
Genome position (GRCh38, 1-based): chr14:74,060,239, A>C on the plus strand (T>G on the coding strand, the complement: ALDH6A1 is on the minus strand). VCF-style: chr14-74060239-A-C. GRCh37 (hg19) VCF-style: chr14-74526942-A-C.
Other names: c.*403T>G (NM_001278593.2, NM_001278594.2); c.1578+2981A>C (NM_025057.3).
Identifiers: ClinVar variation 314160 (VCV000314160.5), dbSNP rs1135885, ClinGen allele CA10640884.

ClinVar aggregate classification (germline): Benign (1 of 4 stars; one submission).

Conditions:
Methylmalonate semialdehyde dehydrogenase deficiency (MMSDHD). Also called: MMSDH DEFICIENCY. Identifiers: Orphanet 289307, MedGen C3279840, MONDO:0013579, OMIM 614105.

Allele frequency attached by ClinVar (database versions not stated): 1000 Genomes Project 30x 0.00484; 1000 Genomes Project 0.00499.
gnomAD v4.1: 861 of 181,914 alleles (0.47%); highest among the groups gnomAD compares: African/African-American, 2%; 12 homozygotes.

Submission:

Illumina Laboratory Services, Illumina
Classification: Benign for Methylmalonate semialdehyde dehydrogenase deficiency. Last evaluated: 2018-01-13. Review status: criteria provided, single submitter. Criteria: ICSL Variant Classification Criteria 13 December 2019. Collection method: clinical testing. Allele origin: germline.
Comment: This variant was observed in the ICSL laboratory as part of a predisposition screen in an ostensibly healthy population. It had not been previously curated by ICSL or reported in the Human Gene Mutation Database (HGMD: prior to June 1st, 2018), and was therefore a candidate for classification through an automated scoring system. Utilizing variant allele frequency, disease prevalence and penetrance estimates, and inheritance mode, an automated score was calculated to assess if this variant is too frequent to cause the disease. Based on the score and internal cut-off values, a variant classified as benign is not then subjected to further curation. The score for this variant resulted in a classification of benign for this disease.